The following is an entry in ClinVar:

NM_002076.4(GNS):c.732C>G (p.Tyr244Ter)

Gene: GNS (glucosamine (N-acetyl)-6-sulfatase; minus strand). Cytogenetic location: 12q14.3.
Variant type: single nucleotide variant.
Coding change: c.732C>G on transcript NM_002076.4 (MANE Select); coding-DNA position 732, C replaced by G.
Protein change: p.Tyr244Ter; replaces tyrosine 244 with a stop codon.
Molecular consequence: nonsense.
Genome position (GRCh38, 1-based): chr12:64,743,201, G>C on the plus strand (C>G on the coding strand, the complement: GNS is on the minus strand). VCF-style: chr12-64743201-G-C. GRCh37 (hg19) VCF-style: chr12-65136981-G-C.
Other names: short protein forms Y244*.
Identifiers: ClinVar variation 2706431 (VCV002706431.3), dbSNP rs2136247574, ClinGen allele CA385608994.

ClinVar aggregate classification (germline): Pathogenic (1 of 4 stars; one submission).

Conditions:
Mucopolysaccharidosis, MPS-III-D (MPS3D). Also called: N-ACETYLGLUCOSAMINE-6-SULFATASE DEFICIENCY; SANFILIPPO SYNDROME D; MPS III D; Mucopoly-saccharidosis type 3D; N-acetylglucosamine-6-sulfate sulfatase deficiency; MPS 3D. Identifiers: Orphanet 581, Orphanet 79272, MedGen C0086650, MONDO:0009658, OMIM 252940.

Submission:

Labcorp Genetics (formerly Invitae), Labcorp
Classification: Pathogenic for Mucopolysaccharidosis, MPS-III-D. Last evaluated: 2023-12-30. Review status: criteria provided, single submitter. Criteria: Invitae Variant Classification Sherloc (09022015). Collection method: clinical testing. Allele origin: germline.
Comment: This sequence change creates a premature translational stop signal (p.Tyr244*) in the GNS gene. It is expected to result in an absent or disrupted protein product. Loss-of-function variants in GNS are known to be pathogenic (PMID: 20232353). This variant is not present in population databases (gnomAD no frequency). This variant has not been reported in the literature in individuals affected with GNS-related conditions. For these reasons, this variant has been classified as Pathogenic.

Literature cited by the submitters: PubMed 20232353.